The following is an entry in ClinVar:

NM_014989.7(RIMS1):c.3785C>G (p.Ser1262Trp)

Gene: RIMS1 (regulating synaptic membrane exocytosis 1; plus strand). Cytogenetic location: 6q13.
Variant type: single nucleotide variant.
Coding change: c.3785C>G on transcript NM_014989.7 (MANE Select); coding-DNA position 3785, C replaced by G.
Protein change: p.Ser1262Trp; replaces serine 1262 with tryptophan.
Molecular consequence: missense variant.
Genome position (GRCh38, 1-based): chr6:72,291,981, C>G. VCF-style: chr6-72291981-C-G. GRCh37 (hg19) VCF-style: chr6-73001684-C-G.
Other names: c.1745C>G, p.Ser582Trp (NM_001168407.2, NM_001350422.2); c.1676C>G, p.Ser559Trp (NM_001168408.2, NM_001350414.2, NM_001350430.2 and 2 more transcripts); c.1505C>G, p.Ser502Trp (NM_001168409.2, NM_001350469.2); c.1703C>G, p.Ser568Trp (NM_001168410.2); c.1829C>G, p.Ser610Trp (NM_001350415.2, NM_001350445.2); c.1748C>G, p.Ser583Trp (NM_001350416.2, NM_001350417.2, NM_001350448.2); c.1751C>G, p.Ser584Trp (NM_001350418.2); c.1679C>G, p.Ser560Trp (NM_001350428.2); and 31 more; short protein forms S507W, S528W, S531W, S552W, S558W, S568W, S597W, S608W.
Identifiers: ClinVar variation 1998818 (VCV001998818.4), dbSNP rs757548948, ClinGen allele CA364689622.

ClinVar aggregate classification (germline): Uncertain significance (1 of 4 stars; one submission).

Submission:

Labcorp Genetics (formerly Invitae), Labcorp
Classification: Uncertain significance. Last evaluated: 2022-05-25. Review status: criteria provided, single submitter. Criteria: Invitae Variant Classification Sherloc (09022015). Collection method: clinical testing. Allele origin: germline.
Comment: This variant is not present in population databases (gnomAD no frequency). In summary, the available evidence is currently insufficient to determine the role of this variant in disease. Therefore, it has been classified as a Variant of Uncertain Significance. Algorithms developed to predict the effect of missense changes on protein structure and function (SIFT, PolyPhen-2, Align-GVGD) all suggest that this variant is likely to be disruptive. This variant has not been reported in the literature in individuals affected with RIMS1-related conditions. This sequence change replaces serine, which is neutral and polar, with tryptophan, which is neutral and slightly polar, at codon 1262 of the RIMS1 protein (p.Ser1262Trp).